The following is an entry in ClinVar:

NM_181789.4(GLDN):c.1507C>T (p.Gln503Ter)

Gene: GLDN (gliomedin; plus strand). Cytogenetic location: 15q21.2.
Variant type: single nucleotide variant.
Coding change: c.1507C>T on transcript NM_181789.4 (MANE Select); coding-DNA position 1507, C replaced by T.
Protein change: p.Gln503Ter; replaces glutamine 503 with a stop codon.
Molecular consequence: nonsense.
Genome position (GRCh38, 1-based): chr15:51,404,605, C>T. VCF-style: chr15-51404605-C-T. GRCh37 (hg19) VCF-style: chr15-51696802-C-T.
Other names: c.1135C>T, p.Gln379Ter (NM_001330297.2); short protein forms Q379*, Q503*.
Identifiers: ClinVar variation 3254992 (VCV003254992.2), dbSNP rs2542883131.

ClinVar aggregate classification (germline): Likely pathogenic (1 of 4 stars; one submission).

Conditions:
Lethal congenital contracture syndrome 11 (LCCS11). Identifiers: MedGen C4310670, MONDO:0014965, OMIM 617194.

Submission:

Victorian Clinical Genetics Services, Murdoch Childrens Research Institute
Classification: Likely pathogenic for Lethal congenital contracture syndrome 11. Last evaluated: 2024-09-21. Review status: criteria provided, single submitter. Criteria: ACMG Guidelines, 2015. Collection method: clinical testing. Allele origin: germline. Inheritance: Autosomal recessive inheritance.
Comment: Based on the classification scheme VCGS_Germline_v1.3.4, this variant is classified as Likely pathogenic. Following criteria are met: 0102 - Loss of function is a known mechanism of disease in this gene and is associated with lethal congenital contracture syndrome 11 (MIM#617194). (I) 0106 - This gene is associated with autosomal recessive disease. (I) 0205 - Variant is predicted to result in a truncated protein (premature termination codon is NOT located at least 54 nucleotides upstream of the final exon-exon junction) with less than 1/3 of the protein sequence affected. (SP) 0251 - This variant is heterozygous. (I) 0301 - Variant is absent from gnomAD (both v2 and v3). (SP) 0600? 0705 - No comparable downstream protein truncating variants have previous evidence for pathogenicity. (I) 0807 - This variant has no previous evidence of pathogenicity. (I) 0905 - No published segregation evidence has been identified for this variant. (I) 1007 - No published functional evidence has been identified for this variant. (I) 1201 - Heterozygous variant detected in trans with a second pathogenic heterozygous variant (NM_181789.3:c.1428C>A; p.(Phe476Leu) in a recessive disease. (I) Legend: (SP) - Supporting pathogenic, (I) - Information, (SB) - Supporting benign